The following is an entry in ClinVar:

ClinVar aggregate classification (germline): Benign. Review status: criteria provided, multiple submitters, no conflicts (2 of 4 stars). 6 submissions from 6 submitters: Benign (6). Last evaluated 2026-02-04.

Allele frequency attached by ClinVar (database versions not stated): 1000 Genomes Project 30x 0.20956; 1000 Genomes Project 0.21006; TOPMed 0.23011; gnomAD 0.24198 and 0.24610; ESP Exome Variant Server 0.24958; gnomAD exomes 0.28388 and 0.30980; ExAC 0.28646.
gnomAD v4.1: 489,697 of 1,613,426 alleles (30%); highest among the groups gnomAD compares: Middle Eastern, 34%; 77,786 homozygotes.

Submissions (6):

Labcorp Genetics (formerly Invitae), Labcorp
Classification: Benign. Last evaluated: 2026-02-04. Review status: criteria provided, single submitter. Criteria: Invitae Variant Classification Sherloc (09022015). Collection method: clinical testing. Allele origin: germline.

Blueprint Genetics
Classification: Benign. Last evaluated: 2024-11-28. Review status: criteria provided, single submitter. Criteria: ACMG Guidelines, 2015. Collection method: clinical testing. Allele origin: germline.

Mayo Clinic Laboratories, Mayo Clinic
Classification: Benign. Last evaluated: 2022-04-26. Review status: criteria provided, single submitter. Criteria: ACMG Guidelines, 2015. Collection method: clinical testing. Allele origin: germline. Observed: 104 variant alleles.

GeneDx
Classification: Benign. Last evaluated: 2021-05-04. Review status: criteria provided, single submitter. Criteria: GeneDx Variant Classification Process June 2021. Collection method: clinical testing. Allele origin: germline. Affected: yes.

Laboratory for Molecular Medicine, Mass General Brigham Personalized Medicine
Classification: Benign. Last evaluated: 2016-03-28. Review status: criteria provided, single submitter. Criteria: LMM Criteria. Collection method: clinical testing. Allele origin: germline.
Comment: Variant identified in a genome or exome case(s) and assessed due to predicted null impact of the variant or pathogenic assertions in the literature or databases. Disclaimer: This variant has not undergone full assessment. The following are preliminary notes: MAF

Breakthrough Genomics
Classification: Benign. Review status: criteria provided, single submitter. Criteria: ACMG Guidelines, 2015. Collection method: not provided. Allele origin: germline. Inheritance: Autosomal recessive inheritance. Affected: yes.

NM_001372.4(DNAH9):c.12106G>A (p.Asp4036Asn)

Gene: DNAH9 (dynein axonemal heavy chain 9; plus strand). Cytogenetic location: 17p12.
Variant type: single nucleotide variant.
Coding change: c.12106G>A on transcript NM_001372.4 (MANE Select); coding-DNA position 12106, G replaced by A.
Protein change: p.Asp4036Asn; replaces aspartic acid 4036 with asparagine.
Molecular consequence: missense variant.
Genome position (GRCh38, 1-based): chr17:11,932,014, G>A. VCF-style: chr17-11932014-G-A. GRCh37 (hg19) VCF-style: chr17-11835331-G-A.
Other names: c.1042G>A, p.Asp348Asn (NM_004662.2); short protein forms D4036N, D348N.
Identifiers: ClinVar variation 402787 (VCV000402787.16), dbSNP rs17612861, ClinGen allele CA8398069.